The following is an entry in ClinVar:

ClinVar aggregate classification (germline): Likely benign (1 of 4 stars; one submission).

Conditions:
HRAS-related disorder. Also called: HRAS-related condition.

gnomAD v4.1: 5 of 1,593,762 alleles (0.00031%); highest among the groups gnomAD compares: African/African-American, 0.0067%; no homozygotes.

Submission:

PreventionGenetics, part of Exact Sciences
Classification: Likely benign for HRAS-related condition. Last evaluated: 2025-04-11. Review status: criteria provided, single submitter. Criteria: ACMG Guidelines, 2015. Collection method: clinical testing. Allele origin: germline.
Comment: This variant is classified as likely benign based on ACMG/AMP sequence variant interpretation guidelines (Richards et al. 2015 PMID: 25741868, with internal and published modifications).

NM_005343.4(HRAS):c.450+167C>G

Genes: HRAS (HRas proto-oncogene, GTPase; minus strand), LRRC56 (leucine rich repeat containing 56; plus strand). Cytogenetic location: 11p15.5.
Variant type: single nucleotide variant.
Coding change: c.450+167C>G on transcript NM_005343.4 (MANE Select); 167 bases into the intron after coding-DNA position 450, C replaced by G.
Molecular consequence: intron variant. On other transcripts: synonymous variant (1), 3 prime UTR variant (1).
Genome position (GRCh38, 1-based): chr11:533,286, G>C on the plus strand (C>G on the coding strand, the complement: HRAS is on the minus strand). VCF-style: chr11-533286-G-C. GRCh37 (hg19) VCF-style: chr11-533286-G-C.
Other names: c.204C>G, p.Ala68= (NM_001318054.2); c.*10C>G (NM_176795.5); c.-162+4949G>C (NM_001441284.1, NM_001441286.1); c.450+167C>G (NM_001130442.3).
Identifiers: ClinVar variation 5002234 (VCV005002234.1).